The following is an entry in ClinVar:

ClinVar aggregate classification (germline): Likely pathogenic (1 of 4 stars; one submission).

Conditions:
Dilated cardiomyopathy 1G (CMD1G). Identifiers: Orphanet 154, MedGen C1858763, MONDO:0011400, OMIM 604145.
Autosomal recessive limb-girdle muscular dystrophy type 2J (LGMDR10). Also called: Limb-girdle muscular dystrophy, type 2J; MUSCULAR DYSTROPHY, LIMB-GIRDLE, AUTOSOMAL RECESSIVE 10. Identifiers: Orphanet 140922, MedGen C1837342, MONDO:0012127, OMIM 608807.

Submission:

Labcorp Genetics (formerly Invitae), Labcorp
Classification: Likely pathogenic for Dilated cardiomyopathy 1G; Autosomal recessive limb-girdle muscular dystrophy type 2J. Last evaluated: 2019-12-11. Review status: criteria provided, single submitter. Criteria: Invitae Variant Classification Sherloc (09022015). Collection method: clinical testing. Allele origin: germline.
Comment: In summary, the currently available evidence indicates that the variant is pathogenic, but additional data are needed to prove that conclusively. Therefore, this variant has been classified as Likely Pathogenic. This variant is located in the A band of TTN (PMID: 25589632). Truncating variants in this region are significantly overrepresented in patients affected with dilated cardiomyopathy (PMID: 25589632). Truncating variants in this region have also been reported in individuals affected with autosomal recessive centronuclear myopathy (PMID: 23975875). This variant has not been reported in the literature in individuals with TTN-related conditions. This variant is not present in population databases (ExAC no frequency). This sequence change results in a premature translational stop signal in the TTN gene (p.Phe21888Asnfs*46). While this is not anticipated to result in nonsense mediated decay, it is expected to create a truncated TTN protein.

Literature cited by the submitters: PubMed 25589632; PubMed 23975875.

NM_001267550.2(TTN):c.65661_65677del (p.Phe21888fs)

Genes: TTN (titin; minus strand), TTN-AS1 (TTN antisense RNA 1; plus strand). Cytogenetic location: 2q31.2.
Variant type: Deletion.
Coding change: c.65661_65677del on transcript NM_001267550.2 (MANE Select); coding-DNA positions 65661 to 65677, 17 bases deleted (TTTTGGTAAACCGATGC).
Protein change: p.Phe21888fs; shifts the reading frame from phenylalanine 21888.
Molecular consequence: frameshift variant. On other transcripts: non-coding transcript variant (1).
Genome position (GRCh38, 1-based): chr2:178,583,126-178,583,142, GCATCGGTTTACCAAAA deleted on the plus strand (TTTTGGTAAACCGATGC on the coding strand, the reverse complement: TTN is on the minus strand). VCF-style (leftmost placement, unchanged base first): chr2-178583125-GGCATCGGTTTACCAAAA-G. GRCh37 (hg19) VCF-style: chr2-179447852-GGCATCGGTTTACCAAAA-G.
Other names: c.60738_60754del, p.Phe20247fs (NM_001256850.1); c.38466_38482del, p.Phe12823fs (NM_003319.4); c.57957_57973del, p.Phe19320fs (NM_133378.4); c.38841_38857del, p.Phe12948fs (NM_133432.3); c.39042_39058del, p.Phe13015fs (NM_133437.4); short protein forms F12948fs, F13015fs, F20247fs, F21888fs, F12823fs, F19320fs.
Identifiers: ClinVar variation 840689 (VCV000840689.10), dbSNP rs2048149402, ClinGen allele CA916081367.